The following is an entry in ClinVar:

ClinVar aggregate classification (germline): Benign/Likely benign. Review status: criteria provided, multiple submitters, no conflicts (2 of 4 stars). 4 submissions from 4 submitters: Benign (3); Likely benign (1). Last evaluated 2026-01-25.

Allele frequency attached by ClinVar (database versions not stated): TOPMed 0.00064; 1000 Genomes Project 30x 0.00109; 1000 Genomes Project 0.00120; gnomAD exomes 0.00263 and 0.00790; gnomAD 0.00578 and 0.00608; ExAC 0.00895.
gnomAD v4.1: 4,504 of 1,550,626 alleles (0.29%); highest among the groups gnomAD compares: East Asian, 0.16%; 129 homozygotes.

Submissions (4):

Labcorp Genetics (formerly Invitae), Labcorp
Classification: Benign. Last evaluated: 2026-01-25. Review status: criteria provided, single submitter. Criteria: Invitae Variant Classification Sherloc (09022015). Collection method: clinical testing. Allele origin: germline.

CeGaT Center for Human Genetics Tuebingen
Classification: Likely benign. Last evaluated: 2024-07-01. Review status: criteria provided, single submitter. Criteria: CeGaT Center For Human Genetics Tuebingen Variant Classification Criteria Version 2. Collection method: clinical testing. Allele origin: germline. Affected: yes. Observed: 1 variant allele.
Comment: OTOG: BS1:Supporting, BS2

GeneDx
Classification: Benign. Last evaluated: 2019-02-24. Review status: criteria provided, single submitter. Criteria: GeneDx Variant Classification Process June 2021. Collection method: clinical testing. Allele origin: germline. Affected: yes.

Laboratory for Molecular Medicine, Mass General Brigham Personalized Medicine
Classification: Benign. Last evaluated: 2017-05-09. Review status: criteria provided, single submitter. Criteria: LMM Criteria. Collection method: clinical testing. Allele origin: germline. Observed: 2 variant alleles.
Comment: p.Val2121Ala in exon 37 of OTOG: This variant is not expected to have clinical s ignificance because it has been identified in 6.3% (1268/20104) of Finnish chrom osomes by the Genome Aggregation Database (gnomAD. org; dbSNP rs182000850).

NM_001292063.2(OTOG):c.6326T>C (p.Val2109Ala)

Gene: OTOG (otogelin; plus strand). Cytogenetic location: 11p15.1.
Variant type: single nucleotide variant.
Coding change: c.6326T>C on transcript NM_001292063.2 (MANE Select); coding-DNA position 6326, T replaced by C.
Protein change: p.Val2109Ala; replaces valine 2109 with alanine.
Molecular consequence: missense variant.
Genome position (GRCh38, 1-based): chr11:17,612,653, T>C. VCF-style: chr11-17612653-T-C. GRCh37 (hg19) VCF-style: chr11-17634200-T-C.
Other names: c.6362T>C, p.Val2121Ala (NM_001277269.2); short protein forms V2121A, V2109A.
Identifiers: ClinVar variation 504839 (VCV000504839.32), dbSNP rs182000850, ClinGen allele CA5906022.